The following is an entry in ClinVar:

NM_000051.4(ATM):c.8708del (p.Pro2903fs)

Genes: ATM (ATM serine/threonine kinase; plus strand), C11orf65 (chromosome 11 open reading frame 65; minus strand). Cytogenetic location: 11q22.3.
Variant type: Deletion.
Coding change: c.8708del on transcript NM_000051.4 (MANE Select); coding-DNA position 8708, one base deleted (C; older notation c.8708delC).
Protein change: p.Pro2903fs; shifts the reading frame from proline 2903.
Molecular consequence: frameshift variant. On other transcripts: intron variant (2).
Genome position (GRCh38, 1-based): chr11:108,353,802, C deleted; the last of 2 consecutive C bases (chr11:108,353,801-108,353,802); deleting either gives the same sequence. VCF-style (leftmost placement, unchanged base first): chr11-108353800-TC-T. GRCh37 (hg19) VCF-style: chr11-108224527-TC-T.
Other names: c.8708del, p.Pro2903fs (NM_001351834.2); c.640+32119del (NM_001330368.2); c.695-18509del (NM_001351110.2); short protein forms P2903fs.
Identifiers: ClinVar variation 1803766 (VCV001803766.2), dbSNP rs2547515679, ClinGen allele CA2580083020.

ClinVar aggregate classification (germline): Likely pathogenic (1 of 4 stars; one submission).

Conditions:
Familial cancer of breast. Also called: BREAST CANCER, FAMILIAL; Hereditary breast cancer; hereditary breast carcinoma. Identifiers: Orphanet 227535, MedGen C0346153, MONDO:0016419, OMIM 114480. Disease mechanism: loss of function.

Submission:

Centre for Mendelian Genomics, University Medical Centre Ljubljana
Classification: Likely pathogenic for Familial cancer of breast. Last evaluated: 2022-12-09. Review status: criteria provided, single submitter. Criteria: ACMG Guidelines, 2015. Collection method: research. Allele origin: germline. Affected: no.
Comment: PVS1, PM2_SUP